The following is an entry in ClinVar:

ClinVar aggregate classification (germline): Uncertain significance (1 of 4 stars; one submission).

Conditions:
Familial encephalopathy with neuroserpin inclusion bodies. Also called: ENCEPHALOPATHY, FAMILIAL, WITH COLLINS BODIES. Identifiers: Orphanet 85110, MedGen C1858680, MONDO:0011412, OMIM 604218.

Allele frequency attached by ClinVar (database versions not stated): gnomAD exomes below 0.00001; ExAC 0.00001.
gnomAD v4.1: 28 of 1,613,460 alleles (0.0017%); highest among the groups gnomAD compares: Admixed American, 0.005%; no homozygotes.

Submission:

Labcorp Genetics (formerly Invitae), Labcorp
Classification: Uncertain significance for Familial encephalopathy with neuroserpin inclusion bodies. Last evaluated: 2022-07-26. Review status: criteria provided, single submitter. Criteria: Invitae Variant Classification Sherloc (09022015). Collection method: clinical testing. Allele origin: germline.
Comment: This sequence change replaces methionine, which is neutral and non-polar, with threonine, which is neutral and polar, at codon 395 of the SERPINI1 protein (p.Met395Thr). This variant is present in population databases (rs761969364, gnomAD 0.0009%). This variant has not been reported in the literature in individuals affected with SERPINI1-related conditions. ClinVar contains an entry for this variant (Variation ID: 1042562). Advanced modeling of protein sequence and biophysical properties (such as structural, functional, and spatial information, amino acid conservation, physicochemical variation, residue mobility, and thermodynamic stability) performed at Invitae indicates that this missense variant is not expected to disrupt SERPINI1 protein function. In summary, the available evidence is currently insufficient to determine the role of this variant in disease. Therefore, it has been classified as a Variant of Uncertain Significance.

NM_001122752.2(SERPINI1):c.1184T>C (p.Met395Thr)

Gene: SERPINI1 (serpin family I member 1; plus strand). Cytogenetic location: 3q26.1.
Variant type: single nucleotide variant.
Coding change: c.1184T>C on transcript NM_001122752.2 (MANE Select); coding-DNA position 1184, T replaced by C.
Protein change: p.Met395Thr; replaces methionine 395 with threonine.
Molecular consequence: missense variant.
Genome position (GRCh38, 1-based): chr3:167,825,274, T>C. VCF-style: chr3-167825274-T-C. GRCh37 (hg19) VCF-style: chr3-167543062-T-C.
Other names: c.1184T>C, p.Met395Thr (NM_005025.5); short protein forms M395T.
Identifiers: ClinVar variation 1042562 (VCV001042562.8), dbSNP rs761969364, ClinGen allele CA2695015.